The following is an entry in ClinVar:

ClinVar aggregate classification (germline): Pathogenic (1 of 4 stars; one submission).

Conditions:
Familial thoracic aortic aneurysm and aortic dissection (TAAD). Also called: Thoracic aortic aneurysms and dissections. Identifiers: Orphanet 91387, MedGen C4707243, MONDO:0019625.

Submission:

Ambry Genetics
Classification: Pathogenic for Familial thoracic aortic aneurysm and aortic dissection. Last evaluated: 2023-11-16. Review status: criteria provided, single submitter. Criteria: Ambry Variant Classification Scheme 2023. Collection method: clinical testing. Allele origin: germline.
Comment: The c.1057_1058delCT pathogenic mutation, located in coding exon 2 of the SLC2A10 gene, results from a deletion of two nucleotides at nucleotide positions 1057 to 1058, causing a translational frameshift with a predicted alternate stop codon (p.L353Tfs*8). This variant has been reported to co-occur in trans with an SLC2A10 missense variant in a proband with arterial tortuosity syndrome (Liang M et al. BMC Pregnancy Childbirth, 2021 Aug;21:548). This variant is considered to be rare based on population cohorts in the Genome Aggregation Database (gnomAD). This alteration is expected to result in loss of function by premature protein truncation or nonsense-mediated mRNA decay. As such, this alteration is interpreted as a disease-causing mutation.

Literature cited by the submitters: PubMed 34384376.

NM_030777.4(SLC2A10):c.1057_1058del (p.Leu353fs)

Gene: SLC2A10 (solute carrier family 2 member 10; plus strand). Cytogenetic location: 20q13.12.
Variant type: Microsatellite.
Coding change: c.1057_1058del on transcript NM_030777.4 (MANE Select); coding-DNA positions 1057 to 1058, 2 bases deleted (CT; older notation c.1057_1058delCT).
Protein change: p.Leu353fs; shifts the reading frame from leucine 353.
Molecular consequence: frameshift variant.
Genome position (GRCh38, 1-based): chr20:46,726,093-46,726,094, CT deleted; deleting any 2 consecutive bases within chr20:46,726,089-46,726,094 gives the same sequence; the c. name uses the placement nearest the transcript's 3' end. VCF-style (leftmost placement, unchanged base first): chr20-46726088-CCT-C. GRCh37 (hg19) VCF-style: chr20-45354727-CCT-C.
Other names: c.1057_1058delCT (NM_030777.3); short protein forms L353fs.
Identifiers: ClinVar variation 3228060 (VCV003228060.2), dbSNP rs1474105130, ClinGen allele CA636177775.
Genomic context (GRCh38, chr20:46,726,088, plus strand): 5'-CTGTGCCCAATGCCACCGGGCAGACAGGCCTCCCTGGAGACTCTGGCCTGCTGCAGGACT[CCT>C]CTCTACCTCCCATTCCAAGGACCAATGAGGACCAAAGGGAGCCAATCTTGTCCACTGCTA-3'